The following is an entry in ClinVar:

ClinVar aggregate classification (germline): Uncertain significance. Review status: criteria provided, multiple submitters, no conflicts (2 of 4 stars). 2 submissions from 2 submitters: Uncertain significance (2). Last evaluated 2026-04-29.

Conditions:
Cutis laxa, autosomal dominant 3 (ADCL3). Identifiers: Orphanet 90348, MedGen C4225268, MONDO:0014706, OMIM 616603.
de Barsy syndrome. Also called: Cutis laxa-corneal clouding-oligophrenia syndrome. Identifiers: Orphanet 2962, MedGen C0268354, MONDO:0017569.
Autosomal dominant spastic paraplegia type 9. Identifiers: MedGen C1832669, MONDO:0015091.

Allele frequency attached by ClinVar (database versions not stated): gnomAD exomes below 0.00001.
gnomAD v4.1: 2 of 1,614,166 alleles (0.00012%); highest among the groups gnomAD compares: Non-Finnish European, 0.00017%; no homozygotes.

Submissions (2):

Women's Health and Genetics/Laboratory Corporation of America, LabCorp
Classification: Uncertain significance. Last evaluated: 2026-04-29. Review status: criteria provided, single submitter. Criteria: LabCorp Variant Classification Summary - May 2015. Collection method: clinical testing. Allele origin: germline.
Comment: Variant summary: ALDH18A1 c.2353G>A (p.Glu785Lys) results in a conservative amino acid change in the encoded protein sequence. Algorithms developed to predict the effect of missense changes on protein structure and function are either unavailable or do not agree on the potential impact of this missense change. The variant allele was found at a frequency of 4e-06 in 251302 control chromosomes. The available data on variant occurrences in the general population are insufficient to allow any conclusion about variant significance. To our knowledge, no occurrence of c.2353G>A in individuals affected with ALDH18A1-related conditions and no experimental evidence demonstrating its impact on protein function have been reported. ClinVar contains an entry for this variant (Variation ID: 2194047). Based on the evidence outlined above, the variant was classified as uncertain significance.

Labcorp Genetics (formerly Invitae), Labcorp
Classification: Uncertain significance for Autosomal dominant spastic paraplegia type 9; de Barsy syndrome; Cutis laxa, autosomal dominant 3. Last evaluated: 2025-12-14. Review status: criteria provided, single submitter. Criteria: Invitae Variant Classification Sherloc (09022015). Collection method: clinical testing. Allele origin: germline.
Comment: This sequence change replaces glutamic acid, which is acidic and polar, with lysine, which is basic and polar, at codon 785 of the ALDH18A1 protein (p.Glu785Lys). This variant is present in population databases (no rsID available, gnomAD 0.0009%). This variant has not been reported in the literature in individuals affected with ALDH18A1-related conditions. ClinVar contains an entry for this variant (Variation ID: 2194047). Invitae Evidence Modeling of protein sequence and biophysical properties (such as structural, functional, and spatial information, amino acid conservation, physicochemical variation, residue mobility, and thermodynamic stability) indicates that this missense variant is not expected to disrupt ALDH18A1 protein function with a negative predictive value of 80%. In summary, the available evidence is currently insufficient to determine the role of this variant in disease. Therefore, it has been classified as a Variant of Uncertain Significance.

NM_002860.4(ALDH18A1):c.2353G>A (p.Glu785Lys)

Gene: ALDH18A1 (aldehyde dehydrogenase 18 family member A1; minus strand). Cytogenetic location: 10q24.1.
Variant type: single nucleotide variant.
Coding change: c.2353G>A on transcript NM_002860.4 (MANE Select); coding-DNA position 2353, G replaced by A.
Protein change: p.Glu785Lys; replaces glutamic acid 785 with lysine.
Molecular consequence: missense variant.
Genome position (GRCh38, 1-based): chr10:95,606,797, C>T on the plus strand (G>A on the coding strand, the complement: ALDH18A1 is on the minus strand). VCF-style: chr10-95606797-C-T. GRCh37 (hg19) VCF-style: chr10-97366554-C-T.
Other names: c.2347G>A, p.Glu783Lys (NM_001017423.2, NM_001323415.2); c.2020G>A, p.Glu674Lys (NM_001323412.2, NM_001323416.2); c.2353G>A, p.Glu785Lys (NM_001323413.2, NM_001323414.2); c.2248G>A, p.Glu750Lys (NM_001323417.2); c.2014G>A, p.Glu672Lys (NM_001323418.2); c.1717G>A, p.Glu573Lys (NM_001323419.2); short protein forms E573K, E785K, E672K, E674K, E750K, E783K.
Identifiers: ClinVar variation 2194047 (VCV002194047.5), dbSNP rs1364987786, ClinGen allele CA377698865.